The following is an entry in ClinVar:

NM_007286.6(SYNPO):c.783G>T (p.Glu261Asp)

Gene: SYNPO (synaptopodin; plus strand). Cytogenetic location: 5q33.1.
Variant type: single nucleotide variant.
Coding change: c.783G>T on transcript NM_007286.6 (MANE Select); coding-DNA position 783, G replaced by T.
Protein change: p.Glu261Asp; replaces glutamic acid 261 with aspartic acid.
Molecular consequence: missense variant.
Genome position (GRCh38, 1-based): chr5:150,649,058, G>T. VCF-style: chr5-150649058-G-T. GRCh37 (hg19) VCF-style: chr5-150028620-G-T.
Other names: c.783G>T, p.Glu261Asp (NM_001109974.3); c.1515G>T, p.Glu505Asp (NM_001166208.2, NM_001166209.2); short protein forms E261D, E505D.
Identifiers: ClinVar variation 4704906 (VCV004704906.1).

ClinVar aggregate classification (germline): Uncertain significance (1 of 4 stars; one submission).

gnomAD v4.1: 13 of 1,614,090 alleles (0.00081%); highest among the groups gnomAD compares: Non-Finnish European, 0.001%; no homozygotes.

Submission:

Labcorp Genetics (formerly Invitae), Labcorp
Classification: Uncertain significance. Last evaluated: 2025-08-06. Review status: criteria provided, single submitter. Criteria: Invitae Variant Classification Sherloc (09022015). Collection method: clinical testing. Allele origin: germline.
Comment: This sequence change replaces glutamic acid, which is acidic and polar, with aspartic acid, which is acidic and polar, at codon 261 of the SYNPO protein (p.Glu261Asp). This variant is present in population databases (rs144793851, gnomAD 0.003%). This variant has not been reported in the literature in individuals affected with SYNPO-related conditions. An algorithm developed to predict the effect of missense changes on protein structure and function (PolyPhen-2) suggests that this variant is likely to be tolerated. In summary, the available evidence is currently insufficient to determine the role of this variant in disease. Therefore, it has been classified as a Variant of Uncertain Significance.